The following is an entry in ClinVar:

ClinVar aggregate classification (germline): Uncertain significance. Review status: criteria provided, multiple submitters, no conflicts (2 of 4 stars). 4 submissions from 4 submitters: Uncertain significance (4). Last evaluated 2025-10-22.

Conditions:
Dyskeratosis congenita, autosomal dominant 2. Identifiers: MedGen C3151443, MONDO:0013521, OMIM 613989.
Idiopathic Pulmonary Fibrosis. Also called: Idiopathic fibrosing alveolitis, chronic form; idiopathic fibrosing alveolitis. Identifiers: Orphanet 2032, MedGen C1800706, MeSH D054990, MONDO:0800504.
Dyskeratosis congenita. Identifiers: Orphanet 1775, MedGen C0265965, MONDO:0015780.

gnomAD v4.1: 6 of 1,568,094 alleles (0.00038%); highest among the groups gnomAD compares: Non-Finnish European, 0.00052%; no homozygotes.

Submissions (4):

Ambry Genetics
Classification: Uncertain significance for Dyskeratosis congenita. Last evaluated: 2025-10-22. Review status: criteria provided, single submitter. Criteria: Ambry Variant Classification Scheme 2023. Collection method: clinical testing. Allele origin: germline.
Comment: The p.Q384L variant (also known as c.1151A>T), located in coding exon 2 of the TERT gene, results from an A to T substitution at nucleotide position 1151. The glutamine at codon 384 is replaced by leucine, an amino acid with dissimilar properties. This amino acid position is poorly conserved in available vertebrate species. In addition, this alteration is predicted to be tolerated by in silico analysis. Based on the available evidence, the clinical significance of this variant remains unclear.

Labcorp Genetics (formerly Invitae), Labcorp
Classification: Uncertain significance for Dyskeratosis congenita, autosomal dominant 2; Idiopathic Pulmonary Fibrosis. Last evaluated: 2023-06-23. Review status: criteria provided, single submitter. Criteria: Invitae Variant Classification Sherloc (09022015). Collection method: clinical testing. Allele origin: germline.
Comment: In summary, the available evidence is currently insufficient to determine the role of this variant in disease. Therefore, it has been classified as a Variant of Uncertain Significance. Advanced modeling of protein sequence and biophysical properties (such as structural, functional, and spatial information, amino acid conservation, physicochemical variation, residue mobility, and thermodynamic stability) performed at Invitae indicates that this missense variant is not expected to disrupt TERT protein function. ClinVar contains an entry for this variant (Variation ID: 1399208). This variant has not been reported in the literature in individuals affected with TERT-related conditions. This variant is not present in population databases (gnomAD no frequency). This sequence change replaces glutamine, which is neutral and polar, with leucine, which is neutral and non-polar, at codon 384 of the TERT protein (p.Gln384Leu).

Johns Hopkins Genomics, Johns Hopkins University
Classification: Uncertain significance for Dyskeratosis congenita, autosomal dominant 2. Last evaluated: 2023-05-19. Review status: criteria provided, single submitter. Criteria: ACMG Guidelines, 2015. Collection method: clinical testing. Allele origin: germline.
Comment: This TERT missense variant is rare (<0.1%) in a large population dataset (gnomAD v3.1.2: 1/152072 total alleles; 0.0007%; no homozygotes). It has been reported in ClinVar (Variation ID 1399208), but has not been reported in the literature, to our knowledge. Two bioinformatic tools queried predict that this substitution would be tolerated. Glutamine at this position is conserved in very few species, with most species having a different amino acid, including one with leucine. We consider the clinical significance of c.1151A>T;p.Gln384Leu in TERT to be uncertain at this time.

GeneDx
Classification: Uncertain significance. Last evaluated: 2022-03-11. Review status: criteria provided, single submitter. Criteria: GeneDx Variant Classification Process June 2021. Collection method: clinical testing. Allele origin: germline. Affected: yes.
Comment: Not observed at significant frequency in large population cohorts (gnomAD); In silico analysis supports that this missense variant does not alter protein structure/function; Has not been previously published as pathogenic or benign to our knowledge

NM_198253.3(TERT):c.1151A>T (p.Gln384Leu)

Gene: TERT (telomerase reverse transcriptase; minus strand). Cytogenetic location: 5p15.33.
Variant type: single nucleotide variant.
Coding change: c.1151A>T on transcript NM_198253.3 (MANE Select); coding-DNA position 1151, A replaced by T.
Protein change: p.Gln384Leu; replaces glutamine 384 with leucine.
Molecular consequence: missense variant. On other transcripts: non-coding transcript variant (2).
Genome position (GRCh38, 1-based): chr5:1,293,735, T>A on the plus strand (A>T on the coding strand, the complement: TERT is on the minus strand). VCF-style: chr5-1293735-T-A. GRCh37 (hg19) VCF-style: chr5-1293850-T-A.
Other names: c.1151A>T, p.Gln384Leu (NM_001193376.3); short protein forms Q384L.
Identifiers: ClinVar variation 1399208 (VCV001399208.24), dbSNP rs1167344136, ClinGen allele CA359086727.